The following is an entry in ClinVar:

NM_001605.3(AARS1):c.461A>C (p.Gln154Pro)

Gene: AARS1 (alanyl-tRNA synthetase 1; minus strand). Cytogenetic location: 16q22.1.
Variant type: single nucleotide variant.
Coding change: c.461A>C on transcript NM_001605.3 (MANE Select); coding-DNA position 461, A replaced by C.
Protein change: p.Gln154Pro; replaces glutamine 154 with proline.
Molecular consequence: missense variant.
Genome position (GRCh38, 1-based): chr16:70,276,504, T>G on the plus strand (A>C on the coding strand, the complement: AARS1 is on the minus strand). VCF-style: chr16-70276504-T-G. GRCh37 (hg19) VCF-style: chr16-70310407-T-G.
Other names: short protein forms Q154P.
Identifiers: ClinVar variation 2103891 (VCV002103891.4), dbSNP rs1409399740, ClinGen allele CA396568569.

ClinVar aggregate classification (germline): Uncertain significance (1 of 4 stars; one submission).

Conditions:
Charcot-Marie-Tooth disease type 2. Also called: Charcot-Marie-Tooth type 2. Identifiers: Orphanet 64746, MedGen C0270914, MONDO:0018993.

Submission:

Labcorp Genetics (formerly Invitae), Labcorp
Classification: Uncertain significance for Charcot-Marie-Tooth disease type 2. Last evaluated: 2022-08-22. Review status: criteria provided, single submitter. Criteria: Invitae Variant Classification Sherloc (09022015). Collection method: clinical testing. Allele origin: germline.
Comment: In summary, the available evidence is currently insufficient to determine the role of this variant in disease. Therefore, it has been classified as a Variant of Uncertain Significance. Algorithms developed to predict the effect of missense changes on protein structure and function are either unavailable or do not agree on the potential impact of this missense change (SIFT: "Deleterious"; PolyPhen-2: "Probably Damaging"; Align-GVGD: "Class C0"). This variant has not been reported in the literature in individuals affected with AARS-related conditions. This variant is not present in population databases (gnomAD no frequency). This sequence change replaces glutamine, which is neutral and polar, with proline, which is neutral and non-polar, at codon 154 of the AARS protein (p.Gln154Pro).